The following is an entry in ClinVar:

ClinVar aggregate classification (germline): Pathogenic (1 of 4 stars; one submission).

Conditions:
Hereditary nonpolyposis colorectal neoplasms. Identifiers: MedGen C0009405, MeSH D003123.

Submission:

Labcorp Genetics (formerly Invitae), Labcorp
Classification: Pathogenic for Hereditary nonpolyposis colorectal neoplasms. Last evaluated: 2023-11-17. Review status: criteria provided, single submitter. Criteria: Invitae Variant Classification Sherloc (09022015). Collection method: clinical testing. Allele origin: unknown.
Comment: This variant is a gross deletion of the genomic region encompassing exon(s) 9 of the PMS2 gene. This deletion is out-of-frame, and is expected to create a premature termination codon and result in an absent or disrupted protein product. Loss-of-function variants in PMS2 are known to be pathogenic (PMID: 21376568, 24362816). A similar copy number variant has been observed in individual(s) with colorectal cancer (PMID: 18602922, 26895986). This variant is also known as c.904-?_988+?del. For these reasons, this variant has been classified as Pathogenic.

Literature cited by the submitters: PubMed 21376568; PubMed 24362816; PubMed 18602922; PubMed 26895986.

NC_000007.14:g.(?_5991963)_(5992067_?)del

Gene: PMS2 (PMS1 homolog 2, mismatch repair system component; minus strand). Cytogenetic location: 7p22.1.
Variant type: Deletion.
Identifiers: ClinVar variation 3245650 (VCV003245650.1).